The following is an entry in ClinVar:

ClinVar aggregate classification (germline): Uncertain significance (1 of 4 stars; one submission).

Conditions:
Long QT syndrome (LQTS). Identifiers: MedGen C0023976, MeSH D008133, MONDO:0002442. Disease mechanism: loss of function. Inheritance: Various modes of inheritance.

Allele frequency attached by ClinVar (database versions not stated): gnomAD exomes below 0.00001; gnomAD 0.00001.
gnomAD v4.1: 3 of 1,613,808 alleles (0.00019%); highest among the groups gnomAD compares: Non-Finnish European, 0.00025%; no homozygotes.

Submission:

Labcorp Genetics (formerly Invitae), Labcorp
Classification: Uncertain significance for Long QT syndrome. Last evaluated: 2022-11-15. Review status: criteria provided, single submitter. Criteria: Invitae Variant Classification Sherloc (09022015). Collection method: clinical testing. Allele origin: germline.
Comment: In summary, the available evidence is currently insufficient to determine the role of this variant in disease. Therefore, it has been classified as a Variant of Uncertain Significance. Advanced modeling of protein sequence and biophysical properties (such as structural, functional, and spatial information, amino acid conservation, physicochemical variation, residue mobility, and thermodynamic stability) performed at Invitae indicates that this missense variant is not expected to disrupt ANK2 protein function. This variant has not been reported in the literature in individuals affected with ANK2-related conditions. This variant is present in population databases (no rsID available, gnomAD 0.002%). This sequence change replaces isoleucine, which is neutral and non-polar, with valine, which is neutral and non-polar, at codon 2050 of the ANK2 protein (p.Ile2050Val).

NM_001148.6(ANK2):c.6148A>G (p.Ile2050Val)

Genes: ANK2 (ankyrin 2; plus strand), LOC126807136 (MED14-independent group 3 enhancer GRCh37_chr4:114274931-114276130; plus strand). Cytogenetic location: 4q26.
Variant type: single nucleotide variant.
Coding change: c.6148A>G on transcript NM_001148.6 (MANE Select); coding-DNA position 6148, A replaced by G.
Protein change: p.Ile2050Val; replaces isoleucine 2050 with valine.
Molecular consequence: missense variant. On other transcripts: intron variant (68).
Genome position (GRCh38, 1-based): chr4:113,354,766, A>G. VCF-style: chr4-113354766-A-G. GRCh37 (hg19) VCF-style: chr4-114275922-A-G.
Other names: c.5914A>G, p.Ile1972Val (NM_001386142.1); c.2548A>G, p.Ile850Val (NM_001386166.1); c.6289A>G, p.Ile2097Val (NM_001386174.1); c.6265A>G, p.Ile2089Val (NM_001386175.1); c.4411+4517A>G (NM_001386186.2, NM_001386148.2); c.4213+4517A>G (NM_001354269.3); c.4291+4517A>G (NM_001386187.2); c.4252+4517A>G (NM_001386147.1); and 35 more; short protein forms I2097V, I1972V, I2089V, I2050V, I850V.
Identifiers: ClinVar variation 3018976 (VCV003018976.3), dbSNP rs1427093106, ClinGen allele CA357922462.